The following is an entry in ClinVar:

ClinVar aggregate classification (germline): Likely benign. Review status: criteria provided, multiple submitters, no conflicts (2 of 4 stars). 2 submissions from 2 submitters: Likely benign (2). Last evaluated 2023-01-23.

Conditions:
Hyperammonemia, type III (NAGSD). Also called: Hyperammonemia due to N-acetylglutamate synthase deficiency. Identifiers: Orphanet 927, MedGen C0268543, MONDO:0009377, OMIM 237310.

Allele frequency attached by ClinVar (database versions not stated): gnomAD exomes below 0.00001.

Submissions (2):

Labcorp Genetics (formerly Invitae), Labcorp
Classification: Likely benign for Hyperammonemia, type III. Last evaluated: 2023-01-23. Review status: criteria provided, single submitter. Criteria: Invitae Variant Classification Sherloc (09022015). Collection method: clinical testing. Allele origin: germline.

GeneDx
Classification: Likely benign. Last evaluated: 2018-02-02. Review status: criteria provided, single submitter. Criteria: GeneDx Variant Classification (06012015). Collection method: clinical testing. Allele origin: germline. Affected: yes.
Comment: This variant is considered likely benign or benign based on one or more of the following criteria: it is a conservative change, it occurs at a poorly conserved position in the protein, it is predicted to be benign by multiple in silico algorithms, and/or has population frequency not consistent with disease.

NM_153006.3(NAGS):c.189C>T (p.Tyr63=)

Gene: NAGS (N-acetylglutamate synthase; plus strand). Cytogenetic location: 17q21.31.
Variant type: single nucleotide variant.
Coding change: c.189C>T on transcript NM_153006.3 (MANE Select); coding-DNA position 189, C replaced by T.
Protein change: p.Tyr63=; no amino-acid change (tyrosine 63 retained).
Molecular consequence: synonymous variant.
Genome position (GRCh38, 1-based): chr17:44,004,852, C>T. VCF-style: chr17-44004852-C-T. GRCh37 (hg19) VCF-style: chr17-42082220-C-T.
Identifiers: ClinVar variation 514926 (VCV000514926.4), dbSNP rs1555620394, ClinGen allele CA500614949.
Genomic context (GRCh38, chr17:44,004,852, plus strand): 5'-CAGCCCGGGGCGCCGGCTCAGCACCGCCTGGTCGCAGCCCCAGCCCCCGCCCGAGGAGTA[C>T]GCGGGCGCGGACGACGTCTCCCAGTCGCCCGTCGCCGAGGAGCCGTCGTGGGTGCCGAGT-3'
Protein context (NP_694551.1, residues 53-73): WSQPQPPPEE[Tyr63=]AGADDVSQSP